The following is an entry in ClinVar:

NM_020117.11(LARS1):c.815T>G (p.Leu272Arg)

Gene: LARS1 (leucyl-tRNA synthetase 1; minus strand). Cytogenetic location: 5q32.
Variant type: single nucleotide variant.
Coding change: c.815T>G on transcript NM_020117.11 (MANE Select); coding-DNA position 815, T replaced by G.
Protein change: p.Leu272Arg; replaces leucine 272 with arginine.
Molecular consequence: missense variant.
Genome position (GRCh38, 1-based): chr5:146,157,752, A>C on the plus strand (T>G on the coding strand, the complement: LARS1 is on the minus strand). VCF-style: chr5-146157752-A-C. GRCh37 (hg19) VCF-style: chr5-145537315-A-C.
Other names: c.677T>G, p.Leu226Arg (NM_001317964.2); c.653T>G, p.Leu218Arg (NM_001317965.2); c.734T>G, p.Leu245Arg (NM_016460.4); short protein forms L218R, L226R, L245R, L272R.
Identifiers: ClinVar variation 2457702 (VCV002457702.4), dbSNP rs139376916, ClinGen allele CA3489818.

ClinVar aggregate classification (germline): Uncertain significance. Review status: criteria provided, multiple submitters, no conflicts (2 of 4 stars). 2 submissions from 2 submitters: Uncertain significance (2). Last evaluated 2026-03-18.

Allele frequency attached by ClinVar (database versions not stated): ESP Exome Variant Server 0.00008; ExAC 0.00009; TOPMed 0.00010; gnomAD 0.00011; gnomAD exomes 0.00015.
gnomAD v4.1: 229 of 1,614,086 alleles (0.014%); highest among the groups gnomAD compares: Non-Finnish European, 0.018%; no homozygotes.

Submissions (2):

GeneDx
Classification: Uncertain significance. Last evaluated: 2026-03-18. Review status: criteria provided, single submitter. Criteria: GeneDx Variant Classification Process June 2021. Collection method: clinical testing. Allele origin: germline.
Comment: In silico analysis supports that this missense variant has a deleterious effect on protein structure/function; Has not been previously published as pathogenic or benign to our knowledge

Ambry Genetics
Classification: Uncertain significance. Last evaluated: 2025-08-21. Review status: criteria provided, single submitter. Criteria: Ambry Variant Classification Scheme 2023. Collection method: clinical testing. Allele origin: germline.